The following is an entry in ClinVar:

NM_018006.5(TRMU):c.1078G>C (p.Val360Leu)

Gene: TRMU (tRNA mitochondrial 2-thiouridylase; plus strand). Cytogenetic location: 22q13.31.
Variant type: single nucleotide variant.
Coding change: c.1078G>C on transcript NM_018006.5 (MANE Select); coding-DNA position 1078, G replaced by C.
Protein change: p.Val360Leu; replaces valine 360 with leucine.
Molecular consequence: missense variant. On other transcripts: non-coding transcript variant (2), intron variant (2).
Genome position (GRCh38, 1-based): chr22:46,356,049, G>C. VCF-style: chr22-46356049-G-C. GRCh37 (hg19) VCF-style: chr22-46751946-G-C.
Other names: c.736G>C, p.Val246Leu (NM_001282782.2); c.658G>C, p.Val220Leu (NM_001282783.2); c.1018+461G>C (NM_001282785.2); c.598+461G>C (NM_001282784.2); short protein forms V220L, V360L, V246L.
Identifiers: ClinVar variation 3729559 (VCV003729559.2).
Genomic context (GRCh38, chr22:46,356,049, plus strand): 5'-GTGCCCTGTGTGCTGACCCTCAATCAAGATGGCACCGTGTGGGTGACAGCTGTGCAGGCT[G>C]TGCGTGCCCTTGCCACAGGACAGGTGCGTGGGGTGTGGGGGTGAGCCCGGGGAGGACTGT-3'
Protein context (NP_060476.2, residues 350-370): GTVWVTAVQA[Val360Leu]RALATGQFAV

ClinVar aggregate classification (germline): Uncertain significance (1 of 4 stars; one submission).

Submission:

Labcorp Genetics (formerly Invitae), Labcorp
Classification: Uncertain significance. Last evaluated: 2024-11-11. Review status: criteria provided, single submitter. Criteria: Invitae Variant Classification Sherloc (09022015). Collection method: clinical testing. Allele origin: germline.
Comment: This sequence change replaces valine, which is neutral and non-polar, with leucine, which is neutral and non-polar, at codon 360 of the TRMU protein (p.Val360Leu). This variant is present in population databases (no rsID available, gnomAD 0.01%). This variant has not been reported in the literature in individuals affected with TRMU-related conditions. Invitae Evidence Modeling of protein sequence and biophysical properties (such as structural, functional, and spatial information, amino acid conservation, physicochemical variation, residue mobility, and thermodynamic stability) indicates that this missense variant is not expected to disrupt TRMU protein function with a negative predictive value of 95%. In summary, the available evidence is currently insufficient to determine the role of this variant in disease. Therefore, it has been classified as a Variant of Uncertain Significance.